The following is an entry in ClinVar:

NM_002693.3(POLG):c.866T>C (p.Met289Thr)

Gene: POLG (DNA polymerase gamma, catalytic subunit; minus strand). Cytogenetic location: 15q26.1.
Variant type: single nucleotide variant.
Coding change: c.866T>C on transcript NM_002693.3 (MANE Select); coding-DNA position 866, T replaced by C.
Protein change: p.Met289Thr; replaces methionine 289 with threonine.
Molecular consequence: missense variant.
Genome position (GRCh38, 1-based): chr15:89,329,100, A>G on the plus strand (T>C on the coding strand, the complement: POLG is on the minus strand). VCF-style: chr15-89329100-A-G. GRCh37 (hg19) VCF-style: chr15-89872331-A-G.
Other names: c.866T>C, p.Met289Thr (NM_001126131.2); short protein forms M289T.
Identifiers: ClinVar variation 1475350 (VCV001475350.8), dbSNP rs2152068184, ClinGen allele CA393766169.
Genomic context (GRCh38, chr15:89,329,100, plus strand): 5'-CGCTGGAAGCTGCTTAGCCCTGAGATGGCCATGTGCATGCTCATGGTGTCCAGGAAACGC[A>G]TGCGGGAACCCTGAGGAGGAGGAGGAGAAAAGGGAAGGGAAGGAGGGAGGCTGCAACTGT-3'
Protein context (NP_002684.1, residues 279-299): REQYLIQGSR[Met289Thr]RFLDTMSMHM

ClinVar aggregate classification (germline): Uncertain significance (1 of 4 stars; one submission).

Conditions:
Progressive sclerosing poliodystrophy (MTDPS4A). Also called: Mitochondrial DNA depletion syndrome 4A (Alpers type); ALPERS PROGRESSIVE INFANTILE POLIODYSTROPHY; NEURONAL DEGENERATION OF CHILDHOOD WITH LIVER DISEASE, PROGRESSIVE; Mitochondrial DNA Depletion Syndrome 4A; Alpers-Huttenlocher Syndrome (AHS); Alpers Syndrome. Identifiers: Orphanet 726, MedGen C0205710, MONDO:0008758, OMIM 203700.

Submission:

Labcorp Genetics (formerly Invitae), Labcorp
Classification: Uncertain significance for Progressive sclerosing poliodystrophy. Last evaluated: 2021-07-05. Review status: criteria provided, single submitter. Criteria: Invitae Variant Classification Sherloc (09022015). Collection method: clinical testing. Allele origin: germline.
Comment: Algorithms developed to predict the effect of missense changes on protein structure and function output the following: SIFT: "Tolerated"; PolyPhen-2: "Benign"; Align-GVGD: "Class C0". The threonine amino acid residue is found in multiple mammalian species, which suggests that this missense change does not adversely affect protein function. This variant has not been reported in the literature in individuals affected with POLG-related conditions. This variant is not present in population databases (ExAC no frequency). This sequence change replaces methionine with threonine at codon 289 of the POLG protein (p.Met289Thr). The methionine residue is moderately conserved and there is a moderate physicochemical difference between methionine and threonine. In summary, the available evidence is currently insufficient to determine the role of this variant in disease. Therefore, it has been classified as a Variant of Uncertain Significance.